The following is an entry in ClinVar:

NM_000094.4(COL7A1):c.7345-1G>A

Gene: COL7A1 (collagen type VII alpha 1 chain; minus strand). Cytogenetic location: 3p21.31.
Variant type: single nucleotide variant.
Coding change: c.7345-1G>A on transcript NM_000094.4 (MANE Select); the canonical splice acceptor site of the intron before coding-DNA position 7345, G replaced by A.
Molecular consequence: splice acceptor variant.
Genome position (GRCh38, 1-based): chr3:48,570,501, C>T on the plus strand (G>A on the coding strand, the complement: COL7A1 is on the minus strand). VCF-style: chr3-48570501-C-T. GRCh37 (hg19) VCF-style: chr3-48607934-C-T.
Identifiers: ClinVar variation 1502830 (VCV001502830.6), dbSNP rs1229102944, ClinGen allele CA352647225.

ClinVar aggregate classification (germline): Likely pathogenic (1 of 4 stars; one submission).

Allele frequency attached by ClinVar (database versions not stated): gnomAD exomes below 0.00001 and 0.00001.
gnomAD v4.1: 3 of 1,614,032 alleles (0.00019%); highest among the groups gnomAD compares: Non-Finnish European, 0.00025%; no homozygotes.

Submission:

Labcorp Genetics (formerly Invitae), Labcorp
Classification: Likely pathogenic. Last evaluated: 2023-05-22. Review status: criteria provided, single submitter. Criteria: Invitae Variant Classification Sherloc (09022015). Collection method: clinical testing. Allele origin: germline.
Comment: In summary, the currently available evidence indicates that the variant is pathogenic, but additional data are needed to prove that conclusively. Therefore, this variant has been classified as Likely Pathogenic. Algorithms developed to predict the effect of sequence changes on RNA splicing suggest that this variant may disrupt the consensus splice site. ClinVar contains an entry for this variant (Variation ID: 1502830). This variant has not been reported in the literature in individuals affected with COL7A1-related conditions. This variant is present in population databases (no rsID available, gnomAD 0.0009%). This sequence change affects an acceptor splice site in intron 95 of the COL7A1 gene. It is expected to disrupt splicing. Variants that disrupt the donor or acceptor splice site typically lead to a loss of protein function (PMID: 16199547), and loss-of-function variants in COL7A1 are known to be disease-causing for autosomal recessive dystrophic epidermolysis bullosa (PMID: 16971478). However, certain variants affecting donor or acceptor splice sites in the triple helical domain of COL7A1 are expected to result in in-frame exon skipping and have been reported to cause autosomal dominant dystrophic epidermolysis bullosa (PMID: 31670143).

Literature cited by the submitters: PubMed 16199547; PubMed 16971478; PubMed 31670143.